The following is an entry in ClinVar:

NM_198578.4(LRRK2):c.3112A>G (p.Thr1038Ala)

Gene: LRRK2 (leucine rich repeat kinase 2; plus strand). Cytogenetic location: 12q12.
Variant type: single nucleotide variant.
Coding change: c.3112A>G on transcript NM_198578.4 (MANE Select); coding-DNA position 3112, A replaced by G.
Protein change: p.Thr1038Ala; replaces threonine 1038 with alanine.
Molecular consequence: missense variant.
Genome position (GRCh38, 1-based): chr12:40,298,258, A>G. VCF-style: chr12-40298258-A-G. GRCh37 (hg19) VCF-style: chr12-40692060-A-G.
Other names: short protein forms T1038A.
Identifiers: ClinVar variation 1727762 (VCV001727762.2), dbSNP rs2499744659, ClinGen allele CA384414035.

ClinVar aggregate classification (germline): Uncertain significance (1 of 4 stars; one submission).

Conditions:
Inborn genetic diseases. Identifiers: MedGen C0950123, MeSH D030342.

Allele frequency attached by ClinVar (database versions not stated): gnomAD exomes below 0.00001.
gnomAD v4.1: 1 of 1,613,520 alleles (0.000062%); highest among the groups gnomAD compares: South Asian, 0.0011%; no homozygotes.

Submission:

Ambry Genetics
Classification: Uncertain significance for Inborn genetic diseases. Last evaluated: 2022-03-12. Review status: criteria provided, single submitter. Criteria: Ambry Variant Classification Scheme 2023. Collection method: clinical testing. Allele origin: germline.
Comment: The p.T1038A variant (also known as c.3112A>G), located in coding exon 24 of the LRRK2 gene, results from an A to G substitution at nucleotide position 3112. The threonine at codon 1038 is replaced by alanine, an amino acid with similar properties. This amino acid position is conserved. In addition, this alteration is predicted to be tolerated by in silico analysis. Since supporting evidence is limited at this time, the clinical significance of this alteration remains unclear.